The following is an entry in ClinVar:

ClinVar aggregate classification (germline): Uncertain significance (1 of 4 stars; one submission).

Conditions:
Benign neonatal seizures. Also called: Benign neonatal familial convulsions; Convulsions benign familial neonatal dominant form; Autosomal dominant form of benign neonatal seizures; Benign familial neonatal epilepsy; Benign familial neonatal seizures. Identifiers: Orphanet 1949, MedGen C0220669, MONDO:0016027.

gnomAD v4.1: 1 of 1,612,930 alleles (0.000062%); highest among the groups gnomAD compares: Non-Finnish European, 0.000085%; no homozygotes.

Submission:

Labcorp Genetics (formerly Invitae), Labcorp
Classification: Uncertain significance for Benign neonatal seizures. Last evaluated: 2025-02-16. Review status: criteria provided, single submitter. Criteria: Invitae Variant Classification Sherloc (09022015). Collection method: clinical testing. Allele origin: germline.
Comment: This sequence change replaces proline, which is neutral and non-polar, with serine, which is neutral and polar, at codon 118 of the KCNQ3 protein (p.Pro118Ser). This variant is not present in population databases (gnomAD no frequency). This variant has not been reported in the literature in individuals affected with KCNQ3-related conditions. Invitae Evidence Modeling of protein sequence and biophysical properties (such as structural, functional, and spatial information, amino acid conservation, physicochemical variation, residue mobility, and thermodynamic stability) indicates that this missense variant is expected to disrupt KCNQ3 protein function with a positive predictive value of 80%. In summary, the available evidence is currently insufficient to determine the role of this variant in disease. Therefore, it has been classified as a Variant of Uncertain Significance.

NM_004519.4(KCNQ3):c.352C>T (p.Pro118Ser)

Gene: KCNQ3 (potassium voltage-gated channel subfamily Q member 3; minus strand). Cytogenetic location: 8q24.22.
Variant type: single nucleotide variant.
Coding change: c.352C>T on transcript NM_004519.4 (MANE Select); coding-DNA position 352, C replaced by T.
Protein change: p.Pro118Ser; replaces proline 118 with serine.
Molecular consequence: missense variant.
Genome position (GRCh38, 1-based): chr8:132,480,181, G>A on the plus strand (C>T on the coding strand, the complement: KCNQ3 is on the minus strand). VCF-style: chr8-132480181-G-A. GRCh37 (hg19) VCF-style: chr8-133492428-G-A.
Other names: short protein forms P118S.
Identifiers: ClinVar variation 4745343 (VCV004745343.1).
Genomic context (GRCh38, chr8:132,480,181, plus strand): 5'-GGCGCCCCGAGCGGCCGGGTACTCACACCAACGCGTGGTAAAGCAGCGCCCAGCCCCGCG[G>A]TCTCTCCAGGGCGTCGTAGATCAAAGTTTGGATGCGCCGGTACTTGGCGTTGTTTCTCTT-3'
Protein context (NP_004510.1, residues 108-128): QTLIYDALER[Pro118Ser]RGWALLYHAL